The following is an entry in ClinVar:

NM_007294.4(BRCA1):c.3295C>G (p.Pro1099Ala)

Genes: BRCA1 (BRCA1 DNA repair associated; minus strand), LOC126862571 (BRD4-independent group 4 enhancer GRCh37_chr17:41243136-41244335; plus strand). Cytogenetic location: 17q21.31.
Variant type: single nucleotide variant.
Coding change: c.3295C>G on transcript NM_007294.4 (MANE Select); coding-DNA position 3295, C replaced by G.
Protein change: p.Pro1099Ala; replaces proline 1099 with alanine.
Molecular consequence: missense variant. On other transcripts: intron variant (137).
Genome position (GRCh38, 1-based): chr17:43,092,236, G>C on the plus strand (C>G on the coding strand, the complement: BRCA1 is on the minus strand). VCF-style: chr17-43092236-G-C. GRCh37 (hg19) VCF-style: chr17-41244253-G-C.
Other names: c.3082C>G, p.Pro1028Ala (NM_001407571.1, NM_001407853.1, NM_001407894.1 and 9 more transcripts); c.3295C>G, p.Pro1099Ala (NM_001407581.1, NM_001407582.1, NM_001407583.1 and 30 more transcripts); c.3292C>G, p.Pro1098Ala (NM_001407587.1, NM_001407590.1, NM_001407591.1 and 22 more transcripts); c.3286C>G, p.Pro1096Ala (NM_001407646.1, NM_001407647.1); c.3172C>G, p.Pro1058Ala (NM_001407648.1, NM_001407664.1, NM_001407665.1 and 19 more transcripts); c.3169C>G, p.Pro1057Ala (NM_001407649.1, NM_001407670.1, NM_001407671.1 and 11 more transcripts); c.3217C>G, p.Pro1073Ala (NM_001407653.1, NM_001407654.1, NM_001407655.1 and 4 more transcripts); c.3214C>G, p.Pro1072Ala (NM_001407659.1, NM_001407660.1, NM_001407661.1 and 1 more transcripts); and 41 more; short protein forms P1028A, P1029A, P1031A, P1051A, P1072A, P1099A, P971A, P1010A.
Identifiers: ClinVar variation 2886229 (VCV002886229.3), dbSNP rs2154330977, ClinGen allele CA10595398.

ClinVar aggregate classification (germline): Uncertain significance (1 of 4 stars; one submission).

Conditions:
Hereditary breast ovarian cancer syndrome. Also called: Breast and ovarian cancer; Hereditary breast and ovarian cancer; Hereditary breast and ovarian cancer syndrome (HBOC); Hereditary breast and/or ovarian cancer syndrome; Hereditary breast and ovarian cancer syndrome; BRCA1- and BRCA2-Associated Hereditary Breast and Ovarian Cancer. Identifiers: Orphanet 145, MedGen C0677776, MeSH D061325, MONDO:0003582. Disease mechanism: loss of function.

Submission:

Labcorp Genetics (formerly Invitae), Labcorp
Classification: Uncertain significance for Hereditary breast ovarian cancer syndrome. Last evaluated: 2023-11-07. Review status: criteria provided, single submitter. Criteria: Invitae Variant Classification Sherloc (09022015). Collection method: clinical testing. Allele origin: germline.
Comment: This sequence change replaces proline, which is neutral and non-polar, with alanine, which is neutral and non-polar, at codon 1099 of the BRCA1 protein (p.Pro1099Ala). This variant is not present in population databases (gnomAD no frequency). This variant has not been reported in the literature in individuals affected with BRCA1-related conditions. Advanced modeling of protein sequence and biophysical properties (such as structural, functional, and spatial information, amino acid conservation, physicochemical variation, residue mobility, and thermodynamic stability) performed at Invitae indicates that this missense variant is not expected to disrupt BRCA1 protein function with a negative predictive value of 95%. In summary, the available evidence is currently insufficient to determine the role of this variant in disease. Therefore, it has been classified as a Variant of Uncertain Significance.